The following is an entry in ClinVar:

ClinVar aggregate classification (germline): Pathogenic (1 of 4 stars; one submission).

Conditions:
Autosomal dominant nonsyndromic hearing loss 15 (DFNA15). Also called: DEAFNESS, AUTOSOMAL DOMINANT 52; Autosomal dominant nonsyndromic hearing loss 52. Identifiers: Orphanet 90635, MedGen C1865366, MONDO:0011226, OMIM 602459.

Submission:

Institute of Rare Diseases, West China Hospital, Sichuan University
Classification: Pathogenic for Autosomal dominant nonsyndromic hearing loss 15. Last evaluated: 2025-01-09. Review status: criteria provided, single submitter. Criteria: ClinGen HL ACMG Specifications v1. Collection method: research. Allele origin: germline. Affected: yes.
Comment: PM1;PM5;PM2_Supporting;PP1_Strong;PP3

NM_002700.3(POU4F3):c.592C>A (p.Arg198Ser)

Genes: POU4F3 (POU class 4 homeobox 3; plus strand), RBM27-POU4F3 (RBM27-POU4F3 readthrough; plus strand). Cytogenetic location: 5q32.
Variant type: single nucleotide variant.
Coding change: c.592C>A on transcript NM_002700.3 (MANE Select); coding-DNA position 592, C replaced by A.
Protein change: p.Arg198Ser; replaces arginine 198 with serine.
Molecular consequence: missense variant. On other transcripts: 3 prime UTR variant (1).
Genome position (GRCh38, 1-based): chr5:146,340,019, C>A. VCF-style: chr5-146340019-C-A. GRCh37 (hg19) VCF-style: chr5-145719582-C-A.
Other names: c.*461C>A (NM_001414499.1); short protein forms R198S.
Identifiers: ClinVar variation 3601695 (VCV003601695.1).
Genomic context (GRCh38, chr5:146,340,019, plus strand): 5'-AGCGACGTGGAGTCAGACCCGCGCGAGCTGGAAGCCTTCGCCGAGCGCTTCAAGCAGCGG[C>A]GCATCAAGCTGGGGGTGACCCAGGCGGACGTGGGCGCGGCTCTGGCTAATCTCAAGATCC-3'
Protein context (NP_002691.1, residues 188-208): EAFAERFKQR[Arg198Ser]IKLGVTQADV